The following is an entry in ClinVar:

NM_001101362.3(KBTBD13):c.501C>T (p.Pro167=)

Gene: KBTBD13 (kelch repeat and BTB domain containing 13; plus strand). Cytogenetic location: 15q22.31.
Variant type: single nucleotide variant.
Coding change: c.501C>T on transcript NM_001101362.3 (MANE Select); coding-DNA position 501, C replaced by T.
Protein change: p.Pro167=; no amino-acid change (proline 167 retained).
Molecular consequence: synonymous variant.
Genome position (GRCh38, 1-based): chr15:65,077,316, C>T. VCF-style: chr15-65077316-C-T. GRCh37 (hg19) VCF-style: chr15-65369654-C-T.
Identifiers: ClinVar variation 4748672 (VCV004748672.1).

ClinVar aggregate classification (germline): Uncertain significance (1 of 4 stars; one submission).

Conditions:
Nemaline myopathy 6 (NEM6). Also called: Nemaline myopathy 6, autosomal dominant. Identifiers: Orphanet 171439, MedGen C1836472, MONDO:0012237, OMIM 609273.

Submission:

Labcorp Genetics (formerly Invitae), Labcorp
Classification: Uncertain significance for Nemaline myopathy 6. Last evaluated: 2025-10-21. Review status: criteria provided, single submitter. Criteria: Invitae Variant Classification Sherloc (09022015). Collection method: clinical testing. Allele origin: germline.
Comment: This sequence change affects codon 167 of the KBTBD13 mRNA. It is a 'silent' change, meaning that it does not change the encoded amino acid sequence of the KBTBD13 protein. This variant is present in population databases (no rsID available, gnomAD 0.01%). This variant has not been reported in the literature in individuals affected with KBTBD13-related conditions. In summary, the available evidence is currently insufficient to determine the role of this variant in disease. Therefore, it has been classified as a Variant of Uncertain Significance.